The following is an entry in ClinVar:

ClinVar aggregate classification (germline): Uncertain significance. Review status: criteria provided, multiple submitters, no conflicts (2 of 4 stars). 2 submissions from 2 submitters: Uncertain significance (2). Last evaluated 2025-10-30.

Conditions:
Inborn genetic diseases. Identifiers: MedGen C0950123, MeSH D030342.

Allele frequency attached by ClinVar (database versions not stated): gnomAD exomes below 0.00001; TOPMed 0.00001; gnomAD 0.00001.
gnomAD v4.1: 5 of 1,613,412 alleles (0.00031%); highest among the groups gnomAD compares: Non-Finnish European, 0.00042%; no homozygotes.

Submissions (2):

Ambry Genetics
Classification: Uncertain significance for Inborn genetic diseases. Last evaluated: 2025-10-30. Review status: criteria provided, single submitter. Criteria: Ambry Variant Classification Scheme 2023. Collection method: clinical testing. Allele origin: germline.

Labcorp Genetics (formerly Invitae), Labcorp
Classification: Uncertain significance. Last evaluated: 2022-04-11. Review status: criteria provided, single submitter. Criteria: Invitae Variant Classification Sherloc (09022015). Collection method: clinical testing. Allele origin: germline.
Comment: This sequence change replaces glycine, which is neutral and non-polar, with aspartic acid, which is acidic and polar, at codon 1721 of the CAD protein (p.Gly1721Asp). The frequency data for this variant in the population databases is considered unreliable, as metrics indicate poor data quality at this position in the gnomAD database. This variant has not been reported in the literature in individuals affected with CAD-related conditions. Algorithms developed to predict the effect of missense changes on protein structure and function (SIFT, PolyPhen-2, Align-GVGD) all suggest that this variant is likely to be disruptive. In summary, the available evidence is currently insufficient to determine the role of this variant in disease. Therefore, it has been classified as a Variant of Uncertain Significance.

NM_004341.5(CAD):c.5162G>A (p.Gly1721Asp)

Gene: CAD (carbamoyl-phosphate synthetase 2, aspartate transcarbamylase, and dihydroorotase; plus strand). Cytogenetic location: 2p23.3.
Variant type: single nucleotide variant.
Coding change: c.5162G>A on transcript NM_004341.5 (MANE Select); coding-DNA position 5162, G replaced by A.
Protein change: p.Gly1721Asp; replaces glycine 1721 with aspartic acid.
Molecular consequence: missense variant.
Genome position (GRCh38, 1-based): chr2:27,239,141, G>A. VCF-style: chr2-27239141-G-A. GRCh37 (hg19) VCF-style: chr2-27462009-G-A.
Other names: c.4973G>A, p.Gly1658Asp (NM_001306079.2); c.5162G>A (NM_004341.3); short protein forms G1658D, G1721D.
Identifiers: ClinVar variation 1513205 (VCV001513205.4), dbSNP rs1217789124, ClinGen allele CA346222247.
Genomic context (GRCh38, chr2:27,239,141, plus strand): 5'-CACCTGGGTTCCCAGGGTTAGAGACCATGCTGCCACTACTCCTGACGGCTGTAAGCGAGG[G>A]CCGGCTCAGCCTGGACGACCTGCTGCAGCGATTGCACCACAATCCTCGGCGCATCTTTCA-3'
Protein context (NP_004332.2, residues 1711-1731): LPLLLTAVSE[Gly1721Asp]RLSLDDLLQR